The following is an entry in ClinVar:

NM_001166108.2(PALLD):c.410T>C (p.Leu137Pro)

Gene: PALLD (palladin, cytoskeletal associated protein; plus strand). Cytogenetic location: 4q32.3.
Variant type: single nucleotide variant.
Coding change: c.410T>C on transcript NM_001166108.2 (MANE Select); coding-DNA position 410, T replaced by C.
Protein change: p.Leu137Pro; replaces leucine 137 with proline.
Molecular consequence: missense variant.
Genome position (GRCh38, 1-based): chr4:168,511,914, T>C. VCF-style: chr4-168511914-T-C. GRCh37 (hg19) VCF-style: chr4-169433065-T-C.
Other names: c.410T>C, p.Leu137Pro (NM_016081.4); short protein forms L137P.
Identifiers: ClinVar variation 1737914 (VCV001737914.2), dbSNP rs2531432045, ClinGen allele CA358725909.

ClinVar aggregate classification (germline): Uncertain significance (1 of 4 stars; one submission).

Submission:

Ambry Genetics
Classification: Uncertain significance. Last evaluated: 2022-08-04. Review status: criteria provided, single submitter. Criteria: Ambry Variant Classification Scheme 2023. Collection method: clinical testing. Allele origin: germline.
Comment: The p.L137P variant (also known as c.410T>C), located in coding exon 1 of the PALLD gene, results from a T to C substitution at nucleotide position 410. The leucine at codon 137 is replaced by proline, an amino acid with similar properties. This amino acid position is conserved. In addition, this alteration is predicted to be deleterious by in silico analysis. Since supporting evidence is limited at this time, the clinical significance of this alteration remains unclear.